The following is an entry in ClinVar:

ClinVar aggregate classification (germline): Pathogenic (1 of 4 stars; one submission).

Conditions:
Glycogen storage disease, type II (IOPD). Also called: CARDIOMEGALIA GLYCOGENICA DIFFUSA; GLYCOGENOSIS, GENERALIZED, CARDIAC FORM; GSD II; Glycogen storage disease type 2; Acid maltase deficiency disease; Aglucosidase alfa. Identifiers: Orphanet 365, MedGen C0017921, MONDO:0009290, OMIM 232300.

Submission:

Myriad Genetics, Inc.
Classification: Pathogenic for Glycogen storage disease, type II. Last evaluated: 2023-12-30. Review status: criteria provided, single submitter. Criteria: Myriad Autosomal Dominant, Autosomal Recessive and X-Linked Classification Criteria (2023). Collection method: clinical testing. Allele origin: unknown.
Comment: NM_000152.3(GAA):c.1709_1710delACinsT(N570Ifs*8) is expected to be pathogenic in the context of Pompe disease. This variant is predicted to lead to an abnormal or absent protein product due to the creation of a premature termination codon in GAA, a gene where loss-of-function variants are known to be pathogenic. Please note: this variant was assessed in the context of healthy population screening.

NM_000152.5(GAA):c.1709_1710delinsT (p.Asn570fs)

Gene: GAA (alpha glucosidase; plus strand). Cytogenetic location: 17q25.3.
Variant type: Indel.
Coding change: c.1709_1710delinsT on transcript NM_000152.5 (MANE Select); coding-DNA positions 1709 to 1710, AC replaced by T.
Protein change: p.Asn570fs; shifts the reading frame from asparagine 570.
Molecular consequence: frameshift variant.
Genome position (GRCh38, 1-based): chr17:80,112,055-80,112,056, AC replaced by T. VCF-style: chr17-80112055-AC-T. GRCh37 (hg19) VCF-style: chr17-78085854-AC-T.
Other names: c.1709_1710delinsT, p.Asn570fs (NM_001079803.3, NM_001079804.3, NM_001406741.1 and 1 more transcripts); short protein forms N570fs.
Identifiers: ClinVar variation 5012616 (VCV005012616.1).